The following is an entry in ClinVar:

NM_001429.4(EP300):c.3518A>G (p.Gln1173Arg)

Gene: EP300 (EP300 lysine acetyltransferase; plus strand). Cytogenetic location: 22q13.2.
Variant type: single nucleotide variant.
Coding change: c.3518A>G on transcript NM_001429.4 (MANE Select); coding-DNA position 3518, A replaced by G.
Protein change: p.Gln1173Arg; replaces glutamine 1173 with arginine.
Molecular consequence: missense variant.
Genome position (GRCh38, 1-based): chr22:41,158,428, A>G. VCF-style: chr22-41158428-A-G. GRCh37 (hg19) VCF-style: chr22-41554432-A-G.
Other names: c.3440A>G, p.Gln1147Arg (NM_001362843.2); short protein forms Q1147R, Q1173R.
Identifiers: ClinVar variation 3573799 (VCV003573799.3).

ClinVar aggregate classification (germline): Uncertain significance. Review status: criteria provided, multiple submitters, no conflicts (2 of 4 stars). 2 submissions from 2 submitters: Uncertain significance (2). Last evaluated 2025-09-11.

Conditions:
Inborn genetic diseases. Identifiers: MedGen C0950123, MeSH D030342.

Submissions (2):

GeneDx
Classification: Uncertain significance. Last evaluated: 2025-09-11. Review status: criteria provided, single submitter. Criteria: GeneDx Variant Classification Process June 2021. Collection method: clinical testing. Allele origin: germline.
Comment: Not observed at significant frequency in large population cohorts (gnomAD); In silico analysis supports that this missense variant has a deleterious effect on protein structure/function; Has not been previously published as pathogenic or benign to our knowledge

Ambry Genetics
Classification: Uncertain significance for Inborn genetic diseases. Last evaluated: 2025-02-09. Review status: criteria provided, single submitter. Criteria: Ambry Variant Classification Scheme 2023. Collection method: clinical testing. Allele origin: germline.